The following is an entry in ClinVar:

ClinVar aggregate classification (germline): Likely pathogenic (1 of 4 stars; one submission).

Conditions:
Autosomal recessive limb-girdle muscular dystrophy type 2J (LGMDR10). Also called: Limb-girdle muscular dystrophy, type 2J; MUSCULAR DYSTROPHY, LIMB-GIRDLE, AUTOSOMAL RECESSIVE 10. Identifiers: Orphanet 140922, MedGen C1837342, MONDO:0012127, OMIM 608807.
Dilated cardiomyopathy 1G (CMD1G). Identifiers: Orphanet 154, MedGen C1858763, MONDO:0011400, OMIM 604145.

Submission:

Labcorp Genetics (formerly Invitae), Labcorp
Classification: Likely pathogenic for Dilated cardiomyopathy 1G; Autosomal recessive limb-girdle muscular dystrophy type 2J. Last evaluated: 2022-03-19. Review status: criteria provided, single submitter. Criteria: Invitae Variant Classification Sherloc (09022015). Collection method: clinical testing. Allele origin: germline.
Comment: In summary, the currently available evidence indicates that the variant is pathogenic, but additional data are needed to prove that conclusively. Therefore, this variant has been classified as Likely Pathogenic. This variant is located in the A band of TTN (PMID: 25589632). Truncating variants in this region are significantly overrepresented in patients affected with dilated cardiomyopathy (PMID: 25589632). Truncating variants in this region have also been reported in individuals affected with autosomal recessive centronuclear myopathy (PMID: 23975875). This variant has not been reported in the literature in individuals affected with TTN-related conditions. This variant is not present in population databases (gnomAD no frequency). This sequence change creates a premature translational stop signal (p.Pro17500Glnfs*2) in the TTN gene. While this is not anticipated to result in nonsense mediated decay, it is expected to create a truncated TTN protein.

Literature cited by the submitters: PubMed 25589632; PubMed 23975875.

NM_001267550.2(TTN):c.52499_52504delinsAGTAA (p.Pro17500_Leu17502delinsGlnTer)

Genes: TTN (titin; minus strand), TTN-AS1 (TTN antisense RNA 1; plus strand), LOC126806425 (BRD4-independent group 4 enhancer GRCh37_chr2:179471933-179473132; plus strand). Cytogenetic location: 2q31.2.
Variant type: Indel.
Coding change: c.52499_52504delinsAGTAA on transcript NM_001267550.2 (MANE Select); coding-DNA positions 52499 to 52504, CCATTT replaced by AGTAA.
Protein change: p.Pro17500_Leu17502delinsGlnTer.
Molecular consequence: nonsense.
Genome position (GRCh38, 1-based): chr2:178,608,379-178,608,384, AAATGG replaced by TTACT on the plus strand (CCATTT replaced by AGTAA on the coding strand, the reverse complement: TTN is on the minus strand). VCF-style: chr2-178608379-AAATGG-TTACT. GRCh37 (hg19) VCF-style: chr2-179473106-AAATGG-TTACT.
Other names: c.47576_47581delinsAGTAA, p.Pro15859_Leu15861delinsGlnTer (NM_001256850.1); c.25304_25309delinsAGTAA, p.Pro8435_Leu8437delinsGlnTer (NM_003319.4); c.44795_44800delinsAGTAA, p.Pro14932_Leu14934delinsGlnTer (NM_133378.4); c.25679_25684delinsAGTAA, p.Pro8560_Leu8562delinsGlnTer (NM_133432.3); c.25880_25885delinsAGTAA, p.Pro8627_Leu8629delinsGlnTer (NM_133437.4).
Identifiers: ClinVar variation 582867 (VCV000582867.6), dbSNP rs1559748217, ClinGen allele CA891843360.